The following is an entry in ClinVar:

ClinVar aggregate classification (germline): Likely benign. Review status: criteria provided, multiple submitters, no conflicts (2 of 4 stars). 2 submissions from 2 submitters: Likely benign (2). Last evaluated 2024-02-01.

Allele frequency attached by ClinVar (database versions not stated): gnomAD exomes below 0.00001; ExAC 0.00001; gnomAD 0.00001; TOPMed 0.00001; ESP Exome Variant Server 0.00008.
gnomAD v4.1: 3 of 1,613,976 alleles (0.00019%); highest among the groups gnomAD compares: Non-Finnish European, 0.00025%; no homozygotes.

Submissions (2):

CeGaT Center for Human Genetics Tuebingen
Classification: Likely benign. Last evaluated: 2024-02-01. Review status: criteria provided, single submitter. Criteria: CeGaT Center For Human Genetics Tuebingen Variant Classification Criteria Version 2. Collection method: clinical testing. Allele origin: germline. Affected: yes. Observed: 1 variant allele.
Comment: SZT2: BP4, BP7

Labcorp Genetics (formerly Invitae), Labcorp
Classification: Likely benign. Last evaluated: 2019-08-20. Review status: criteria provided, single submitter. Criteria: Invitae Variant Classification Sherloc (09022015). Collection method: clinical testing. Allele origin: germline.

NM_001365999.1(SZT2):c.5679G>A (p.Leu1893=)

Gene: SZT2 (SZT2 subunit of KICSTOR complex; plus strand). Cytogenetic location: 1p34.2.
Variant type: single nucleotide variant.
Coding change: c.5679G>A on transcript NM_001365999.1 (MANE Select); coding-DNA position 5679, G replaced by A.
Protein change: p.Leu1893=; no amino-acid change (leucine 1893 retained).
Molecular consequence: synonymous variant.
Genome position (GRCh38, 1-based): chr1:43,433,065, G>A. VCF-style: chr1-43433065-G-A. GRCh37 (hg19) VCF-style: chr1-43898736-G-A.
Other names: c.5508G>A, p.Leu1836= (NM_015284.4).
Identifiers: ClinVar variation 1109005 (VCV001109005.31), dbSNP rs375332518, ClinGen allele CA809662.
Genomic context (GRCh38, chr1:43,433,065, plus strand): 5'-CAGTGGCTCAGACAGTGAGGGTCCCAATGACACCCTTGGTGAGAAGGCCCCCTTCACATT[G>A]CGGACTCCACCTGGGCCAGCACCTCCACAGCCTTCACTCTCAGGCCTCCCTGGGCCCTGC-3'
Protein context (NP_001352928.1, residues 1883-1903): DTLGEKAPFT[Leu1893=]RTPPGPAPPQ